The following is an entry in ClinVar:

NM_001377.3(DYNC2H1):c.8425G>T (p.Glu2809Ter)

Gene: DYNC2H1 (dynein cytoplasmic 2 heavy chain 1; plus strand). Cytogenetic location: 11q22.3.
Variant type: single nucleotide variant.
Coding change: c.8425G>T on transcript NM_001377.3 (MANE Select); coding-DNA position 8425, G replaced by T.
Protein change: p.Glu2809Ter; replaces glutamic acid 2809 with a stop codon.
Molecular consequence: nonsense.
Genome position (GRCh38, 1-based): chr11:103,204,935, G>T. VCF-style: chr11-103204935-G-T. GRCh37 (hg19) VCF-style: chr11-103075664-G-T.
Other names: c.8425G>T, p.Glu2809Ter (NM_001080463.2); short protein forms E2809*.
Identifiers: ClinVar variation 3774990 (VCV003774990.2).
Genomic context (GRCh38, chr11:103,204,935, plus strand): 5'-TTCATGATAAACTGTGAGAGTAATCCAGCTTTGCATAAGAAATGCCAGGTGTTGTGGATG[G>T]AGGGTTGGTCCAATAGCAGTATGAAGAAAGTAAGTTTAACAAATATTAAAAAATTTAAAA-3'

ClinVar aggregate classification (germline): Pathogenic. Review status: criteria provided, multiple submitters, no conflicts (2 of 4 stars). 2 submissions from 2 submitters: Pathogenic (2). Last evaluated 2025-07-22.

Conditions:
Asphyxiating thoracic dystrophy 3. Also called: SHORT-RIB THORACIC DYSPLASIA 3/6 WITH POLYDACTYLY, DIGENIC; Saldino-Noonan Syndrome; SHORT-RIB THORACIC DYSPLASIA 3 WITH OR WITHOUT POLYDACTYLY; POLYDACTYLY WITH NEONATAL CHONDRODYSTROPHY, TYPE I; Short rib polydactyly syndrome 2B. Identifiers: Orphanet 474, Orphanet 93269, Orphanet 93270, Orphanet 93271, MedGen C0036069, MONDO:0013127, OMIM 613091.

gnomAD v4.1: 1 of 1,591,768 alleles (0.000063%); highest among the groups gnomAD compares: Admixed American, 0.0017%; no homozygotes.

Submissions (2):

Myriad Genetics, Inc.
Classification: Pathogenic for Asphyxiating thoracic dystrophy 3. Last evaluated: 2025-07-22. Review status: criteria provided, single submitter. Criteria: Myriad Autosomal Dominant, Autosomal Recessive and X-Linked Classification Criteria (2023). Collection method: clinical testing. Allele origin: unknown.
Comment: NM_001377.2(DYNC2H1):c.8425G>T(E2809*) is expected to be pathogenic in the context of DYNC2H1-related disorders. This variant is predicted to lead to an abnormal or absent protein product due to the creation of a premature termination codon in DYNC2H1, a gene where loss-of-function variants are known to be pathogenic. Please note: this variant was assessed in the context of healthy population screening.

GeneDx
Classification: Pathogenic. Last evaluated: 2024-09-29. Review status: criteria provided, single submitter. Criteria: GeneDx Variant Classification Process June 2021. Collection method: clinical testing. Allele origin: germline. Affected: yes.
Comment: Nonsense variant predicted to result in protein truncation or nonsense mediated decay in a gene for which loss of function is a known mechanism of disease; Not observed at significant frequency in large population cohorts (gnomAD); Has not been previously published as pathogenic or benign to our knowledge